The following is an entry in ClinVar:

NM_000836.4(GRIN2D):c.3402C>T (p.Phe1134=)

Gene: GRIN2D (glutamate ionotropic receptor NMDA type subunit 2D; plus strand). Cytogenetic location: 19q13.33.
Variant type: single nucleotide variant.
Coding change: c.3402C>T on transcript NM_000836.4 (MANE Select); coding-DNA position 3402, C replaced by T.
Protein change: p.Phe1134=; no amino-acid change (phenylalanine 1134 retained).
Molecular consequence: synonymous variant.
Genome position (GRCh38, 1-based): chr19:48,443,328, C>T. VCF-style: chr19-48443328-C-T. GRCh37 (hg19) VCF-style: chr19-48946585-C-T.
Identifiers: ClinVar variation 1567889 (VCV001567889.31), dbSNP rs377403542, ClinGen allele CA9550847.

ClinVar aggregate classification (germline): Likely benign. Review status: criteria provided, multiple submitters, no conflicts (2 of 4 stars). 2 submissions from 2 submitters: Likely benign (2). Last evaluated 2024-10-15.

Allele frequency attached by ClinVar (database versions not stated): TOPMed 0.00002; gnomAD exomes 0.00005; ExAC 0.00006; ESP Exome Variant Server 0.00009.
gnomAD v4.1: 31 of 1,532,906 alleles (0.002%); highest among the groups gnomAD compares: Non-Finnish European, 0.0024%; no homozygotes.

Submissions (2):

Labcorp Genetics (formerly Invitae), Labcorp
Classification: Likely benign. Last evaluated: 2024-10-15. Review status: criteria provided, single submitter. Criteria: Invitae Variant Classification Sherloc (09022015). Collection method: clinical testing. Allele origin: germline.

CeGaT Center for Human Genetics Tuebingen
Classification: Likely benign. Last evaluated: 2024-09-01. Review status: criteria provided, single submitter. Criteria: CeGaT Center For Human Genetics Tuebingen Variant Classification Criteria Version 2. Collection method: clinical testing. Allele origin: germline. Affected: yes. Observed: 2 variant alleles.
Comment: GRIN2D: BP4, BP7